The following is an entry in ClinVar:

ClinVar aggregate classification (germline): Likely benign. Review status: criteria provided, multiple submitters, no conflicts (2 of 4 stars). 3 submissions from 3 submitters: Likely benign (3). Last evaluated 2025-06-24.

Submissions (3):

Women's Health and Genetics/Laboratory Corporation of America, LabCorp
Classification: Likely benign. Last evaluated: 2025-06-24. Review status: criteria provided, single submitter. Criteria: LabCorp Variant Classification Summary - May 2015. Collection method: clinical testing. Allele origin: germline.
Comment: Variant summary: NCKAP1L c.2507-15_2507-14delGT alters a nucleotide located at a position not widely known to affect splicing. Consensus agreement among computation tools predict no significant impact on normal splicing. However, these predictions have yet to be confirmed by functional studies. The variant allele was found at a frequency of 1.6e-05 in 250816 control chromosomes (gnomAD). The available data on variant occurrences in the general population are insufficient to allow any conclusion about variant significance. To our knowledge, no occurrence of c.2507-15_2507-14delGT in individuals affected with Immunodeficiency 72 with autoinflammation and no experimental evidence demonstrating its impact on protein function have been reported. ClinVar contains an entry for this variant (Variation ID: 2976736). Based on the evidence outlined above, the variant was classified as likely benign.

Labcorp Genetics (formerly Invitae), Labcorp
Classification: Likely benign. Last evaluated: 2024-07-12. Review status: criteria provided, single submitter. Criteria: Invitae Variant Classification Sherloc (09022015). Collection method: clinical testing. Allele origin: germline.

Blueprint Genetics
Classification: Likely benign. Last evaluated: 2024-02-09. Review status: criteria provided, single submitter. Criteria: ACMG Guidelines, 2015. Collection method: clinical testing. Allele origin: germline.

NM_005337.5(NCKAP1L):c.2507-15_2507-14del

Gene: NCKAP1L (NCK associated protein 1 like; plus strand). Cytogenetic location: 12q13.2.
Variant type: Deletion.
Coding change: c.2507-15_2507-14del on transcript NM_005337.5 (MANE Select); 15 bases into the intron before coding-DNA position 2507 through 14 bases into the intron before coding-DNA position 2507, 2 bases deleted (GT; older notation c.2507-15_2507-14delGT).
Molecular consequence: intron variant.
Genome position (GRCh38, 1-based): chr12:54,531,245-54,531,246, GT deleted; deleting any 2 consecutive bases within chr12:54,531,244-54,531,246 gives the same sequence; the c. name uses the placement nearest the transcript's 3' end. VCF-style (leftmost placement, unchanged base first): chr12-54531243-CTG-C. GRCh37 (hg19) VCF-style: chr12-54925027-CTG-C.
Other names: c.2357-15_2357-14del (NM_001184976.2); c.2507-15_2507-14delGT (NM_005337.5).
Identifiers: ClinVar variation 2976736 (VCV002976736.5), dbSNP rs755208451, ClinGen allele CA6609455.